The following is an entry in ClinVar:

ClinVar aggregate classification (germline): Uncertain significance (1 of 4 stars; one submission).

gnomAD v4.1: 1 of 1,613,716 alleles (0.000062%); highest among the groups gnomAD compares: Non-Finnish European, 0.000085%; no homozygotes.

Submission:

Labcorp Genetics (formerly Invitae), Labcorp
Classification: Uncertain significance. Last evaluated: 2022-02-25. Review status: criteria provided, single submitter. Criteria: Invitae Variant Classification Sherloc (09022015). Collection method: clinical testing. Allele origin: germline.
Comment: In summary, the available evidence is currently insufficient to determine the role of this variant in disease. Therefore, it has been classified as a Variant of Uncertain Significance. Algorithms developed to predict the effect of missense changes on protein structure and function output the following: SIFT: "Not Available"; PolyPhen-2: "Benign"; Align-GVGD: "Not Available". The histidine amino acid residue is found in multiple mammalian species, which suggests that this missense change does not adversely affect protein function. This variant has not been reported in the literature in individuals affected with MYO18B-related conditions. This variant is not present in population databases (gnomAD no frequency). This sequence change replaces glutamine, which is neutral and polar, with histidine, which is basic and polar, at codon 89 of the MYO18B protein (p.Gln89His).

NM_032608.7(MYO18B):c.267G>T (p.Gln89His)

Gene: MYO18B (myosin XVIIIB; plus strand). Cytogenetic location: 22q12.1.
Variant type: single nucleotide variant.
Coding change: c.267G>T on transcript NM_032608.7 (MANE Select); coding-DNA position 267, G replaced by T.
Protein change: p.Gln89His; replaces glutamine 89 with histidine.
Molecular consequence: missense variant.
Genome position (GRCh38, 1-based): chr22:25,768,183, G>T. VCF-style: chr22-25768183-G-T. GRCh37 (hg19) VCF-style: chr22-26164150-G-T.
Other names: c.267G>T, p.Gln89His (NM_001318245.2); short protein forms Q89H.
Identifiers: ClinVar variation 1972926 (VCV001972926.5), dbSNP rs2517649383, ClinGen allele CA411001133.